The following is an entry in ClinVar:

ClinVar aggregate classification (germline): Likely benign. Review status: criteria provided, multiple submitters, no conflicts (2 of 4 stars). 4 submissions from 4 submitters: Likely benign (4). Last evaluated 2026-01-19.

Conditions:
Inborn genetic diseases. Identifiers: MedGen C0950123, MeSH D030342.

Allele frequency attached by ClinVar (database versions not stated): gnomAD 0.00021 and 0.00022; TOPMed 0.00022; ExAC 0.00024; ESP Exome Variant Server 0.00048.
gnomAD v4.1: 393 of 1,613,822 alleles (0.024%); highest among the groups gnomAD compares: Non-Finnish European, 0.031%; no homozygotes.

Submissions (4):

Labcorp Genetics (formerly Invitae), Labcorp
Classification: Likely benign. Last evaluated: 2026-01-19. Review status: criteria provided, single submitter. Criteria: Invitae Variant Classification Sherloc (09022015). Collection method: clinical testing. Allele origin: germline.

CeGaT Center for Human Genetics Tuebingen
Classification: Likely benign. Last evaluated: 2024-11-01. Review status: criteria provided, single submitter. Criteria: CeGaT Center For Human Genetics Tuebingen Variant Classification Criteria Version 2. Collection method: clinical testing. Allele origin: germline. Affected: yes. Observed: 1 variant allele.
Comment: SETD5: BP1, BS1

Ambry Genetics
Classification: Likely benign for Inborn genetic diseases. Last evaluated: 2021-07-13. Review status: criteria provided, single submitter. Criteria: Ambry Variant Classification Scheme 2023. Collection method: clinical testing. Allele origin: germline.

GeneDx
Classification: Likely benign. Last evaluated: 2021-03-05. Review status: criteria provided, single submitter. Criteria: GeneDx Variant Classification Process June 2021. Collection method: clinical testing. Allele origin: germline. Affected: yes.

NM_001080517.3(SETD5):c.2645G>A (p.Arg882Gln)

Gene: SETD5 (SET domain containing 5; plus strand). Cytogenetic location: 3p25.3.
Variant type: single nucleotide variant.
Coding change: c.2645G>A on transcript NM_001080517.3 (MANE Select); coding-DNA position 2645, G replaced by A.
Protein change: p.Arg882Gln; replaces arginine 882 with glutamine.
Molecular consequence: missense variant.
Genome position (GRCh38, 1-based): chr3:9,464,593, G>A. VCF-style: chr3-9464593-G-A. GRCh37 (hg19) VCF-style: chr3-9506277-G-A.
Other names: c.2351G>A, p.Arg784Gln (NM_001292043.2, NM_001349451.2); short protein forms R784Q, R882Q.
Identifiers: ClinVar variation 1254441 (VCV001254441.25), dbSNP rs200142019, ClinGen allele CA2239493.